The following is an entry in ClinVar:

ClinVar aggregate classification (germline): Conflicting classifications of pathogenicity. Review status: criteria provided, conflicting classifications (1 of 4 stars). 3 submissions from 3 submitters: Uncertain significance (2); Benign (1). Last evaluated 2025-09-12.

Conditions:
Hereditary cancer-predisposing syndrome. Also called: Neoplastic Syndromes, Hereditary; Tumor predisposition; Hereditary neoplastic syndrome; Hereditary Cancer Syndrome. Identifiers: Orphanet 140162, MedGen C0027672, MeSH D009386, MONDO:0015356.
Multiple endocrine neoplasia, type 1 (MEN1). Also called: MEN I; WERMER SYNDROME; Endocrine adenomatosis multiple; MEN 1; MEA I. Identifiers: Orphanet 652, MedGen C0025267, MeSH D018761, MONDO:0007540, OMIM 131100.

Allele frequency attached by ClinVar (database versions not stated): gnomAD exomes below 0.00001 and 0.00001.

Submissions (3):

Ambry Genetics
Classification: Uncertain significance for Hereditary cancer-predisposing syndrome. Last evaluated: 2025-09-12. Review status: criteria provided, single submitter. Criteria: Ambry Variant Classification Scheme 2023. Collection method: clinical testing. Allele origin: germline.
Comment: The p.R415Q variant (also known as c.1244G>A), located in coding exon 8 of the MEN1 gene, results from a G to A substitution at nucleotide position 1244. The arginine at codon 415 is replaced by glutamine, an amino acid with highly similar properties. This amino acid position is conserved. In addition, this alteration is predicted to be deleterious by in silico analysis. Since supporting evidence is limited at this time, the clinical significance of this alteration remains unclear.

Labcorp Genetics (formerly Invitae), Labcorp
Classification: Benign for Multiple endocrine neoplasia, type 1. Last evaluated: 2025-08-25. Review status: criteria provided, single submitter. Criteria: Invitae Variant Classification Sherloc (09022015). Collection method: clinical testing. Allele origin: germline.

All of Us Research Program, National Institutes of Health
Classification: Uncertain significance for Multiple endocrine neoplasia, type 1. Last evaluated: 2023-05-16. Review status: criteria provided, single submitter. Criteria: ACMG Guidelines, 2015. Collection method: clinical testing. Allele origin: germline. Inheritance: Autosomal dominant inheritance. Observed: 1 variant allele, 1 heterozygote.
Comment: This missense variant replaces arginine with glutamine at codon 415 of the MEN1 protein. Computational prediction suggests that this variant may have deleterious impact on protein structure and function (internally defined REVEL score threshold >= 0.7, PMID: 27666373). To our knowledge, functional studies have not been reported for this variant. This variant has not been reported in individuals affected with MEN1-related disorders in the literature. This variant has been identified in 1/251116 chromosomes in the general population by the Genome Aggregation Database (gnomAD). The available evidence is insufficient to determine the role of this variant in disease conclusively. Therefore, this variant is classified as a Variant of Uncertain Significance.

This study involves interpretation of variants in research participants for the purpose of population health screening. Participant phenotype was not available at the time of variant classification. Additional details can be found in publication PMID: 35346344, PMCID: PMC8962531

NM_001370259.2(MEN1):c.1244G>A (p.Arg415Gln)

Gene: MEN1 (menin 1; minus strand). Cytogenetic location: 11q13.1.
Variant type: single nucleotide variant.
Coding change: c.1244G>A on transcript NM_001370259.2 (MANE Select); coding-DNA position 1244, G replaced by A.
Protein change: p.Arg415Gln; replaces arginine 415 with glutamine.
Molecular consequence: missense variant.
Genome position (GRCh38, 1-based): chr11:64,805,140, C>T on the plus strand (G>A on the coding strand, the complement: MEN1 is on the minus strand). VCF-style: chr11-64805140-C-T. GRCh37 (hg19) VCF-style: chr11-64572612-C-T.
Other names: c.1259G>A, p.Arg420Gln (NM_000244.4, NM_130800.3, NM_130801.3 and 3 more transcripts); c.1370G>A, p.Arg457Gln (NM_001370251.2); c.1244G>A, p.Arg415Gln (NM_001370260.2, NM_001370261.2, NM_130799.3); c.1139G>A, p.Arg380Gln (NM_001370262.2, NM_001370263.2); short protein forms R415Q, R420Q, R457Q, R380Q.
Identifiers: ClinVar variation 527243 (VCV000527243.14), dbSNP rs1446518998, ClinGen allele CA381180571.